The following is an entry in ClinVar:

NM_001142800.2(EYS):c.5530_5534dup (p.Val1846fs)

Gene: EYS (EGF-like photoreceptor maintenance factor; minus strand). Cytogenetic location: 6q12.
Variant type: Duplication.
Coding change: c.5530_5534dup on transcript NM_001142800.2 (MANE Select); coding-DNA positions 5530 to 5534, 5 bases duplicated (CCTAG; older notation c.5530_5534dupCCTAG).
Protein change: p.Val1846fs; shifts the reading frame from valine 1846.
Molecular consequence: frameshift variant.
Genome position (GRCh38, 1-based): chr6:64,590,333-64,590,337, CTAGG duplicated on the plus strand (CCTAG on the coding strand, the reverse complement: EYS is on the minus strand); duplicating any 5 consecutive bases within chr6:64,590,333-64,590,339 gives the same sequence; the c. name uses the placement nearest the transcript's 3' end. VCF-style (leftmost placement, unchanged base first): chr6-64590332-A-ACTAGG. GRCh37 (hg19) VCF-style: chr6-65300225-A-ACTAGG.
Other names: c.5530_5534dup, p.Val1846fs (NM_001292009.2); c.5530_5534dup (NM_001142800.1); short protein forms V1846fs.
Identifiers: ClinVar variation 1437069 (VCV001437069.9), dbSNP rs1405016852, ClinGen allele CA827095127.

ClinVar aggregate classification (germline): Pathogenic/Likely pathogenic. Review status: criteria provided, multiple submitters, no conflicts (2 of 4 stars). 3 submissions from 3 submitters: Pathogenic (1); Likely pathogenic (2). Last evaluated 2025-10-07.

Conditions:
Retinitis pigmentosa 25 (RP25). Identifiers: Orphanet 791, MedGen C1864446, MONDO:0011272, OMIM 602772.

Submissions (3):

Natera, Inc.
Classification: Likely pathogenic for Retinitis pigmentosa type 25. Last evaluated: 2025-10-07. Review status: criteria provided, single submitter. Criteria: Natera Variant Classification Schema (03/2026). Collection method: clinical testing. Allele origin: germline.
Comment: The c.5530_5534dup variant in EYS is a frameshift variant predicted to shift the reading frame beginning at codon 1846 and leads to a stop codon 35 codons downstream. This variant is expected to result in nonsense mediated decay, truncation, or a dysfunctional protein product. This variant is rare in the general population with a frequency below the threshold expected for the associated phenotype(s). Given the available evidence, this variant is classified as Likely Pathogenic.

Labcorp Genetics (formerly Invitae), Labcorp
Classification: Pathogenic. Last evaluated: 2023-08-10. Review status: criteria provided, single submitter. Criteria: Invitae Variant Classification Sherloc (09022015). Collection method: clinical testing. Allele origin: germline.
Comment: For these reasons, this variant has been classified as Pathogenic. ClinVar contains an entry for this variant (Variation ID: 1437069). This variant has not been reported in the literature in individuals affected with EYS-related conditions. This variant is not present in population databases (gnomAD no frequency). This sequence change creates a premature translational stop signal (p.Val1846Leufs*35) in the EYS gene. It is expected to result in an absent or disrupted protein product. Loss-of-function variants in EYS are known to be pathogenic (PMID: 18836446, 20333770).

Revvity Omics, Revvity
Classification: Likely pathogenic for Retinitis pigmentosa 25. Last evaluated: 2023-05-25. Review status: criteria provided, single submitter. Criteria: ACMG Guidelines, 2015. Collection method: clinical testing. Allele origin: germline.

Literature cited by the submitters: PubMed 18836446 (cited by Labcorp Genetics (formerly Invitae), Labcorp); PubMed 20333770 (cited by Labcorp Genetics (formerly Invitae), Labcorp).